The following is an entry in ClinVar:

NM_000303.3(PMM2):c.348-58_348-56dup

Gene: PMM2 (phosphomannomutase 2; plus strand). Cytogenetic location: 16p13.2.
Variant type: Duplication.
Coding change: c.348-58_348-56dup on transcript NM_000303.3 (MANE Select); 58 bases into the intron before coding-DNA position 348 through 56 bases into the intron before coding-DNA position 348, 3 bases duplicated (ATG; older notation c.348-58_348-56dupATG).
Molecular consequence: intron variant.
Genome position (GRCh38, 1-based): chr16:8,811,021-8,811,023, ATG duplicated. VCF-style (leftmost placement, unchanged base first): chr16-8811020-T-TATG. GRCh37 (hg19) VCF-style: chr16-8904877-T-TATG.
Other names: c.348-58_348-56dupATG (NM_000303.2).
Identifiers: ClinVar variation 495797 (VCV000495797.3), dbSNP rs1799772, ClinGen allele CA277491097.

ClinVar aggregate classification (germline): Benign. Review status: criteria provided, multiple submitters, no conflicts (2 of 4 stars). 2 submissions from 2 submitters: Benign (2). Last evaluated 2019-10-22.

Allele frequency attached by ClinVar (database versions not stated): TOPMed 0.82884; 1000 Genomes Project 0.83486; gnomAD 0.85109 and 0.85621; gnomAD exomes 0.92456.

Submissions (2):

GeneDx
Classification: Benign. Last evaluated: 2019-10-22. Review status: criteria provided, single submitter. Criteria: GeneDx Variant Classification Process June 2021. Collection method: clinical testing. Allele origin: germline. Affected: yes.

Women's Health and Genetics/Laboratory Corporation of America, LabCorp
Classification: Benign. Last evaluated: 2017-08-08. Review status: criteria provided, single submitter. Criteria: LabCorp Variant Classification Summary - May 2015. Collection method: clinical testing. Allele origin: germline.
Comment: Variant summary: The PMM2 c.348-58_348-56dupATG variant involves the duplication of three intronic nucleotides. One in silico tool predicts a benign outcome for this variant. 5/5 splice prediction tools predict no significant impact on normal splicing. However, these predictions have yet to be confirmed by functional studies. This variant was found in 26861/30842 control chromosomes at a frequency of 0.8709228, which is approximately 156 times the estimated maximal expected allele frequency of a pathogenic PMM2 variant (0.0055902), suggesting this variant is likely a benign polymorphism. Taken together, this variant is classified as benign.